The following is an entry in ClinVar:

NM_020433.5(JPH2):c.286A>G (p.Ile96Val)

Gene: JPH2 (junctophilin 2; minus strand). Cytogenetic location: 20q13.12.
Variant type: single nucleotide variant.
Coding change: c.286A>G on transcript NM_020433.5 (MANE Select); coding-DNA position 286, A replaced by G.
Protein change: p.Ile96Val; replaces isoleucine 96 with valine.
Molecular consequence: missense variant.
Genome position (GRCh38, 1-based): chr20:44,186,420, T>C on the plus strand (A>G on the coding strand, the complement: JPH2 is on the minus strand). VCF-style: chr20-44186420-T-C. GRCh37 (hg19) VCF-style: chr20-42815060-T-C.
Other names: c.286A>G, p.Ile96Val (NM_175913.4); short protein forms I96V.
Identifiers: ClinVar variation 3287229 (VCV003287229.1).

ClinVar aggregate classification (germline): Uncertain significance (1 of 4 stars; one submission).

Conditions:
Cardiovascular phenotype. Identifiers: MedGen CN230736.

gnomAD v4.1: 3 of 1,613,808 alleles (0.00019%); highest among the groups gnomAD compares: Admixed American, 0.0033%; no homozygotes.

Submission:

Ambry Genetics
Classification: Uncertain significance for Cardiovascular phenotype. Last evaluated: 2024-04-14. Review status: criteria provided, single submitter. Criteria: Ambry Variant Classification Scheme 2023. Collection method: clinical testing. Allele origin: germline.
Comment: The p.I96V variant (also known as c.286A>G), located in coding exon 1 of the JPH2 gene, results from an A to G substitution at nucleotide position 286. The isoleucine at codon 96 is replaced by valine, an amino acid with highly similar properties. This amino acid position is conserved. In addition, this alteration is predicted to be tolerated by in silico analysis. Based on the available evidence, the clinical significance of this variant remains unclear.